The following is an entry in ClinVar:

ClinVar aggregate classification (germline): Uncertain significance (1 of 4 stars; one submission).

Allele frequency attached by ClinVar (database versions not stated): gnomAD exomes 0.00001.
gnomAD v4.1: 10 of 1,614,094 alleles (0.00062%); highest among the groups gnomAD compares: Non-Finnish European, 0.00085%; no homozygotes.

Submission:

Labcorp Genetics (formerly Invitae), Labcorp
Classification: Uncertain significance. Last evaluated: 2022-11-03. Review status: criteria provided, single submitter. Criteria: Invitae Variant Classification Sherloc (09022015). Collection method: clinical testing. Allele origin: germline.
Comment: In summary, the available evidence is currently insufficient to determine the role of this variant in disease. Therefore, it has been classified as a Variant of Uncertain Significance. Algorithms developed to predict the effect of missense changes on protein structure and function are either unavailable or do not agree on the potential impact of this missense change (SIFT: "Deleterious"; PolyPhen-2: "Probably Damaging"; Align-GVGD: "Class C0"). This variant has not been reported in the literature in individuals affected with MICAL1-related conditions. This variant is not present in population databases (gnomAD no frequency). This sequence change replaces glutamic acid, which is acidic and polar, with glutamine, which is neutral and polar, at codon 965 of the MICAL1 protein (p.Glu965Gln).

NM_022765.4(MICAL1):c.2836G>C (p.Glu946Gln)

Gene: MICAL1 (microtubule associated monooxygenase, calponin and LIM domain containing 1; minus strand). Cytogenetic location: 6q21.
Variant type: single nucleotide variant.
Coding change: c.2836G>C on transcript NM_022765.4 (MANE Select); coding-DNA position 2836, G replaced by C.
Protein change: p.Glu946Gln; replaces glutamic acid 946 with glutamine.
Molecular consequence: missense variant.
Genome position (GRCh38, 1-based): chr6:109,445,242, C>G on the plus strand (G>C on the coding strand, the complement: MICAL1 is on the minus strand). VCF-style: chr6-109445242-C-G. GRCh37 (hg19) VCF-style: chr6-109766445-C-G.
Other names: c.2578G>C, p.Glu860Gln (NM_001159291.2); c.2893G>C, p.Glu965Gln (NM_001286613.2); short protein forms E860Q, E965Q, E946Q.
Identifiers: ClinVar variation 3019635 (VCV003019635.3), dbSNP rs2482767893, ClinGen allele CA365221525.